The following is an entry in ClinVar:

ClinVar aggregate classification (germline): Uncertain significance. Review status: criteria provided, multiple submitters, no conflicts (2 of 4 stars). 4 submissions from 4 submitters: Uncertain significance (4). Last evaluated 2025-04-09.

Conditions:
Cardiovascular phenotype. Identifiers: MedGen CN230736.
Marfan syndrome (MFS). Also called: Marfan's syndrome; Marfan syndrome, classic; MARFAN SYNDROME, TYPE I; Marfan syndrome type 1; FBN1-Related Marfan Syndrome. Identifiers: Orphanet 284963, Orphanet 558, MedGen C0024796, MONDO:0007947, OMIM 154700.
Familial thoracic aortic aneurysm and aortic dissection (TAAD). Also called: Thoracic aortic aneurysms and dissections. Identifiers: Orphanet 91387, MedGen C4707243, MONDO:0019625.

Allele frequency attached by ClinVar (database versions not stated): gnomAD exomes below 0.00001.
gnomAD v4.1: 5 of 1,613,660 alleles (0.00031%); highest among the groups gnomAD compares: South Asian, 0.0033%; no homozygotes.

Submissions (4):

Molecular Diagnostic Laboratory for Inherited Cardiovascular Disease, Montreal Heart Institute
Classification: Uncertain significance for Cardiovascular phenotype. Last evaluated: 2025-04-09. Review status: criteria provided, single submitter. Criteria: ACMG Guidelines, 2015. Collection method: clinical testing. Allele origin: germline. Affected: yes.

Labcorp Genetics (formerly Invitae), Labcorp
Classification: Uncertain significance for Marfan syndrome; Familial thoracic aortic aneurysm and aortic dissection. Last evaluated: 2024-10-21. Review status: criteria provided, single submitter. Criteria: Invitae Variant Classification Sherloc (09022015). Collection method: clinical testing. Allele origin: germline.
Comment: This sequence change replaces arginine, which is basic and polar, with tryptophan, which is neutral and slightly polar, at codon 439 of the FBN1 protein (p.Arg439Trp). This variant is not present in population databases (gnomAD no frequency). This variant has not been reported in the literature in individuals affected with FBN1-related conditions. ClinVar contains an entry for this variant (Variation ID: 1769781). Invitae Evidence Modeling of protein sequence and biophysical properties (such as structural, functional, and spatial information, amino acid conservation, physicochemical variation, residue mobility, and thermodynamic stability) has been performed for this missense variant. However, the output from this modeling did not meet the statistical confidence thresholds required to predict the impact of this variant on FBN1 protein function. In summary, the available evidence is currently insufficient to determine the role of this variant in disease. Therefore, it has been classified as a Variant of Uncertain Significance.

All of Us Research Program, National Institutes of Health
Classification: Uncertain significance for Marfan syndrome. Last evaluated: 2023-04-27. Review status: criteria provided, single submitter. Criteria: ACMG Guidelines, 2015. Collection method: clinical testing. Allele origin: germline. Inheritance: Autosomal dominant inheritance. Observed: 1 variant allele, 1 heterozygote.
Comment: This study involves interpretation of variants in research participants for the purpose of population health screening. Participant phenotype was not available at the time of variant classification. Additional details can be found in publication PMID: 35346344, PMCID: PMC8962531

Ambry Genetics
Classification: Uncertain significance for Familial thoracic aortic aneurysm and aortic dissection. Last evaluated: 2021-08-03. Review status: criteria provided, single submitter. Criteria: Ambry Variant Classification Scheme 2023. Collection method: clinical testing. Allele origin: germline.
Comment: The p.R439W variant (also known as c.1315C>T), located in coding exon 10 of the FBN1 gene, results from a C to T substitution at nucleotide position 1315. The arginine at codon 439 is replaced by tryptophan, an amino acid with dissimilar properties. This amino acid position is highly conserved in available vertebrate species. In addition, the in silico prediction for this alteration is inconclusive. Since supporting evidence is limited at this time, the clinical significance of this alteration remains unclear.

NM_000138.5(FBN1):c.1315C>T (p.Arg439Trp)

Gene: FBN1 (fibrillin 1; minus strand). Cytogenetic location: 15q21.1.
Variant type: single nucleotide variant.
Coding change: c.1315C>T on transcript NM_000138.5 (MANE Select); coding-DNA position 1315, C replaced by T.
Protein change: p.Arg439Trp; replaces arginine 439 with tryptophan.
Molecular consequence: missense variant.
Genome position (GRCh38, 1-based): chr15:48,516,195, G>A on the plus strand (C>T on the coding strand, the complement: FBN1 is on the minus strand). VCF-style: chr15-48516195-G-A. GRCh37 (hg19) VCF-style: chr15-48808392-G-A.
Other names: c.1315C>T, p.Arg439Trp (NM_001406716.1); short protein forms R439W.
Identifiers: ClinVar variation 1769781 (VCV001769781.6), dbSNP rs1195398902, ClinGen allele CA392345194.